The following is an entry in ClinVar:

NM_000535.7(PMS2):c.1330A>G (p.Arg444Gly)

Gene: PMS2 (PMS1 homolog 2, mismatch repair system component; minus strand). Cytogenetic location: 7p22.1.
Variant type: single nucleotide variant.
Coding change: c.1330A>G on transcript NM_000535.7 (MANE Select); coding-DNA position 1330, A replaced by G.
Protein change: p.Arg444Gly; replaces arginine 444 with glycine.
Molecular consequence: missense variant. On other transcripts: non-coding transcript variant (1), intron variant (1).
Genome position (GRCh38, 1-based): chr7:5,987,435, T>C on the plus strand (A>G on the coding strand, the complement: PMS2 is on the minus strand). VCF-style: chr7-5987435-T-C. GRCh37 (hg19) VCF-style: chr7-6027066-T-C.
Other names: c.1021A>G, p.Arg341Gly (NM_001406875.1, NM_001406877.1, NM_001406878.1 and 5 more transcripts); c.1012A>G, p.Arg338Gly (NM_001406876.1, NM_001406883.1, NM_001406903.1 and 2 more transcripts); c.1006A>G, p.Arg336Gly (NM_001406884.1); c.925A>G, p.Arg309Gly (NM_001406894.1, NM_001406895.1, NM_001406896.1 and 16 more transcripts); c.865A>G, p.Arg289Gly (NM_001406900.1); c.856A>G, p.Arg286Gly (NM_001406901.1, NM_001406902.1); c.1174A>G, p.Arg392Gly (NM_001322006.2, NM_001406870.1); c.769A>G, p.Arg257Gly (NM_001322010.2, NM_001406906.1, NM_001406907.1); and 13 more; short protein forms R133G, R187G, R273G, R309G, R388G, R392G, R506G, R257G.
Identifiers: ClinVar variation 5026907 (VCV005026907.1).

ClinVar aggregate classification (germline): Uncertain significance (1 of 4 stars; one submission).

Conditions:
Hereditary cancer-predisposing syndrome. Also called: Neoplastic Syndromes, Hereditary; Tumor predisposition; Hereditary neoplastic syndrome; Hereditary Cancer Syndrome. Identifiers: Orphanet 140162, MedGen C0027672, MeSH D009386, MONDO:0015356.

Submission:

Ambry Genetics
Classification: Uncertain significance for Hereditary cancer-predisposing syndrome. Last evaluated: 2026-07-02. Review status: criteria provided, single submitter. Criteria: Ambry Variant Classification Scheme 2023. Collection method: clinical testing. Allele origin: germline.
Comment: The p.R444G variant (also known as c.1330A>G), located in coding exon 11 of the PMS2 gene, results from an A to G substitution at nucleotide position 1330. The arginine at codon 444 is replaced by glycine, an amino acid with dissimilar properties. This amino acid position is conserved. In addition, this alteration is predicted to be tolerated by in silico analysis. Based on the available evidence, the clinical significance of this variant remains unclear.